The following is an entry in ClinVar:

ClinVar aggregate classification (germline): Pathogenic (1 of 4 stars; one submission).

Submission:

Labcorp Genetics (formerly Invitae), Labcorp
Classification: Pathogenic. Last evaluated: 2025-09-02. Review status: criteria provided, single submitter. Criteria: Invitae Variant Classification Sherloc (09022015). Collection method: clinical testing. Allele origin: germline.
Comment: This sequence change creates a premature translational stop signal (p.Gln259Argfs*3) in the INPPL1 gene. It is expected to result in an absent or disrupted protein product. Loss-of-function variants in INPPL1 are known to be pathogenic (PMID: 23273567, 23273569). This variant is not present in population databases (gnomAD no frequency). This variant has not been reported in the literature in individuals affected with INPPL1-related conditions. For these reasons, this variant has been classified as Pathogenic.

Literature cited by the submitters: PubMed 23273567; PubMed 23273569.

NM_001567.4(INPPL1):c.776del (p.Gln259fs)

Gene: INPPL1 (inositol polyphosphate phosphatase like 1; plus strand). Cytogenetic location: 11q13.4.
Variant type: Deletion.
Coding change: c.776del on transcript NM_001567.4 (MANE Select); coding-DNA position 776, one base deleted (A; older notation c.776delA).
Protein change: p.Gln259fs; shifts the reading frame from glutamine 259.
Molecular consequence: frameshift variant.
Genome position (GRCh38, 1-based): chr11:72,229,685, A deleted. VCF-style (leftmost placement, unchanged base first): chr11-72229684-CA-C. GRCh37 (hg19) VCF-style: chr11-71940728-CA-C.
Other names: c.842del, p.Gln281fs (NM_001440434.1); c.776del, p.Gln259fs (NM_001440435.1, NM_001440436.1, NM_001440438.1); c.635del, p.Gln212fs (NM_001440437.1); short protein forms Q212fs, Q259fs, Q281fs.
Identifiers: ClinVar variation 4723107 (VCV004723107.1).
Genomic context (GRCh38, chr11:72,229,684, plus strand): 5'-AGGTGACTCATGTACAAGCCTGGTTCTTCCTCCCCCCAGAACCTGCCACAGACAGGGGAG[CA>C]GGAACTAGAGAGCCTGGTGCTGAAGCTGTCAGTGCTAAAGGACTTCCTGTCAGGCATCCA-3'